The following is an entry in ClinVar:

ClinVar aggregate classification (germline): Uncertain significance (1 of 4 stars; one submission).

Submission:

GeneDx
Classification: Uncertain significance. Last evaluated: 2026-08-22. Review status: criteria provided, single submitter. Criteria: GeneDx Variant Classification Process June 2021. Collection method: clinical testing. Allele origin: germline.
Comment: Not observed at significant frequency in large population cohorts (gnomAD); In silico analysis suggests that this missense variant does not alter protein structure/function; Has not been previously published as pathogenic or benign to our knowledge

NM_001003694.2(BRPF1):c.3647C>G (p.Thr1216Ser)

Gene: BRPF1 (bromodomain and PHD finger containing 1; plus strand). Cytogenetic location: 3p25.3.
Variant type: single nucleotide variant.
Coding change: c.3647C>G on transcript NM_001003694.2 (MANE Select); coding-DNA position 3647, C replaced by G.
Protein change: p.Thr1216Ser; replaces threonine 1216 with serine.
Molecular consequence: missense variant. On other transcripts: non-coding transcript variant (1).
Genome position (GRCh38, 1-based): chr3:9,747,333, C>G. VCF-style: chr3-9747333-C-G. GRCh37 (hg19) VCF-style: chr3-9789017-C-G.
Other names: c.3344C>G, p.Thr1115Ser (NM_001319049.2); c.3626C>G, p.Thr1209Ser (NM_001319050.2); c.3644C>G, p.Thr1215Ser (NM_001410704.1); c.3629C>G, p.Thr1210Ser (NM_004634.3); short protein forms T1115S, T1209S, T1210S, T1215S, T1216S.
Identifiers: ClinVar variation 3900941 (VCV003900941.2).